The following is an entry in ClinVar:

ClinVar aggregate classification (germline): Benign/Likely benign. Review status: criteria provided, multiple submitters, no conflicts (2 of 4 stars). 2 submissions from 2 submitters: Benign (1); Likely benign (1). Last evaluated 2026-07-01.

Allele frequency attached by ClinVar (database versions not stated): gnomAD exomes 0.00008 and 0.00027; ExAC 0.00035; gnomAD 0.00099 and 0.00105; TOPMed 0.00100; ESP Exome Variant Server 0.00161; 1000 Genomes Project 0.00180; 1000 Genomes Project 30x 0.00203.
gnomAD v4.1: 273 of 1,613,984 alleles (0.017%); highest among the groups gnomAD compares: African/African-American, 0.35%; 1 homozygote.

Submissions (2):

CeGaT Center for Human Genetics Tuebingen
Classification: Likely benign. Last evaluated: 2026-07-01. Review status: criteria provided, single submitter. Criteria: CeGaT Center For Human Genetics Tuebingen Variant Classification Criteria Version 2. Collection method: clinical testing. Allele origin: germline. Affected: yes. Observed: 1 variant allele.
Comment: RHOBTB2: BP4, BP7

Labcorp Genetics (formerly Invitae), Labcorp
Classification: Benign. Last evaluated: 2026-01-27. Review status: criteria provided, single submitter. Criteria: Invitae Variant Classification Sherloc (09022015). Collection method: clinical testing. Allele origin: germline.

NM_015178.3(RHOBTB2):c.615A>T (p.Arg205=)

Gene: RHOBTB2 (Rho related BTB domain containing 2; plus strand). Cytogenetic location: 8p21.3.
Variant type: single nucleotide variant.
Coding change: c.615A>T on transcript NM_015178.3 (MANE Select); coding-DNA position 615, A replaced by T.
Protein change: p.Arg205=; no amino-acid change (arginine 205 retained).
Molecular consequence: synonymous variant.
Genome position (GRCh38, 1-based): chr8:23,006,860, A>T. VCF-style: chr8-23006860-A-T. GRCh37 (hg19) VCF-style: chr8-22864373-A-T.
Other names: c.681A>T, p.Arg227= (NM_001160036.2); c.636A>T, p.Arg212= (NM_001160037.2); c.615A>T, p.Arg205= (NM_001374791.1).
Identifiers: ClinVar variation 1626568 (VCV001626568.9), dbSNP rs147473485, ClinGen allele CA4672495.
Genomic context (GRCh38, chr8:23,006,860, plus strand): 5'-CTATGAGACCAGCGTGGTGGCCCAGTTCGGCATCAAGGACGTCTTTGACAACGCCATCCG[A>T]GCTGCACTCATCTCCCGCCGCCACCTGCAGTTCTGGAAGTCCCACCTCCGCAATGTGCAG-3'
Protein context (NP_055993.2, residues 195-215): GIKDVFDNAI[Arg205=]AALISRRHLQ